The following is an entry in ClinVar:

NM_170784.3(MKKS):c.923A>G (p.His308Arg)

Gene: MKKS (MKKS centrosomal shuttling protein; minus strand). Cytogenetic location: 20p12.2.
Variant type: single nucleotide variant.
Coding change: c.923A>G on transcript NM_170784.3 (MANE Select); coding-DNA position 923, A replaced by G.
Protein change: p.His308Arg; replaces histidine 308 with arginine.
Molecular consequence: missense variant.
Genome position (GRCh38, 1-based): chr20:10,412,592, T>C on the plus strand (A>G on the coding strand, the complement: MKKS is on the minus strand). VCF-style: chr20-10412592-T-C. GRCh37 (hg19) VCF-style: chr20-10393240-T-C.
Other names: c.923A>G, p.His308Arg (NM_018848.3); short protein forms H308R.
Identifiers: ClinVar variation 1434121 (VCV001434121.8), dbSNP rs967873180, ClinGen allele CA311323386.

ClinVar aggregate classification (germline): Uncertain significance. Review status: criteria provided, multiple submitters, no conflicts (2 of 4 stars). 3 submissions from 3 submitters: Uncertain significance (2). 1 of the submissions does not count toward it. Last evaluated 2024-06-04.

Conditions:
McKusick-Kaufman syndrome (MKKS). Also called: HYDROMETROCOLPOS SYNDROME; HYDROMETROCOLPOS, POSTAXIAL POLYDACTYLY, AND CONGENITAL HEART MALFORMATION. Identifiers: Orphanet 2473, MedGen C0948368, MONDO:0009367, OMIM 236700.
Bardet-Biedl syndrome (BBS). Identifiers: Orphanet 110, MedGen C0752166, MONDO:0015229.
MKKS-related disorder. Also called: MKKS-related condition; MKKS-related disorders.
Bardet-Biedl syndrome 6 (BBS6). Identifiers: Orphanet 110, MedGen C1858054, MONDO:0011523, OMIM 605231.

Allele frequency attached by ClinVar (database versions not stated): gnomAD exomes below 0.00001 and 0.00001; TOPMed below 0.00001; gnomAD 0.00003.
gnomAD v4.1: 15 of 1,613,976 alleles (0.00093%); highest among the groups gnomAD compares: African/African-American, 0.0053%; no homozygotes.

Submissions (3):

Fulgent Genetics
Classification: Uncertain significance for McKusick-Kaufman syndrome; Bardet-Biedl syndrome 6. Last evaluated: 2024-06-04. Review status: criteria provided, single submitter. Criteria: ACMG Guidelines, 2015. Collection method: clinical testing. Allele origin: germline.

Labcorp Genetics (formerly Invitae), Labcorp
Classification: Uncertain significance for McKusick-Kaufman syndrome; Bardet-Biedl syndrome. Last evaluated: 2022-11-22. Review status: criteria provided, single submitter. Criteria: Invitae Variant Classification Sherloc (09022015). Collection method: clinical testing. Allele origin: germline.
Comment: In summary, the available evidence is currently insufficient to determine the role of this variant in disease. Therefore, it has been classified as a Variant of Uncertain Significance. Advanced modeling of protein sequence and biophysical properties (such as structural, functional, and spatial information, amino acid conservation, physicochemical variation, residue mobility, and thermodynamic stability) performed at Invitae indicates that this missense variant is not expected to disrupt MKKS protein function. ClinVar contains an entry for this variant (Variation ID: 1434121). This variant has not been reported in the literature in individuals affected with MKKS-related conditions. This variant is present in population databases (no rsID available, gnomAD 0.01%). This sequence change replaces histidine, which is basic and polar, with arginine, which is basic and polar, at codon 308 of the MKKS protein (p.His308Arg).

PreventionGenetics, part of Exact Sciences
Classification: Uncertain significance for MKKS-related condition. Last evaluated: 2024-04-14. Review status: no assertion criteria provided. Collection method: clinical testing. Allele origin: germline. Not counted in ClinVar's aggregate classification.
Comment: The MKKS c.923A>G variant is predicted to result in the amino acid substitution p.His308Arg. To our knowledge, this variant has not been reported in the literature. This variant is reported in 0.012% of alleles in individuals of African descent in gnomAD. At this time, the clinical significance of this variant is uncertain due to the absence of conclusive functional and genetic evidence.